The following is an entry in ClinVar:

NM_001161352.2(KCNMA1):c.858G>T (p.Leu286Phe)

Gene: KCNMA1 (potassium calcium-activated channel subfamily M alpha 1; minus strand). Cytogenetic location: 10q22.3.
Variant type: single nucleotide variant.
Coding change: c.858G>T on transcript NM_001161352.2 (MANE Select); coding-DNA position 858, G replaced by T.
Protein change: p.Leu286Phe; replaces leucine 286 with phenylalanine.
Molecular consequence: missense variant.
Genome position (GRCh38, 1-based): chr10:77,120,999, C>A on the plus strand (G>T on the coding strand, the complement: KCNMA1 is on the minus strand). VCF-style: chr10-77120999-C-A. GRCh37 (hg19) VCF-style: chr10-78880757-C-A.
Other names: c.858G>T, p.Leu286Phe (NM_001014797.3, NM_001161353.2, NM_001271519.2 and 8 more transcripts); c.696G>T, p.Leu232Phe (NM_001271518.2); c.318G>T, p.Leu106Phe (NM_001322838.2); short protein forms L106F, L232F, L286F.
Identifiers: ClinVar variation 2574547 (VCV002574547.1), dbSNP rs2551299979, ClinGen allele CA377404503.

ClinVar aggregate classification (germline): Uncertain significance (1 of 4 stars; one submission).

Submission:

GeneDx
Classification: Uncertain significance. Last evaluated: 2023-01-30. Review status: criteria provided, single submitter. Criteria: GeneDx Variant Classification Process June 2021. Collection method: clinical testing. Allele origin: germline. Affected: yes.
Comment: Not observed at significant frequency in large population cohorts (gnomAD); In silico analysis supports that this missense variant has a deleterious effect on protein structure/function; Has not been previously published as pathogenic or benign to our knowledge